The following is an entry in ClinVar:

ClinVar aggregate classification (germline): Uncertain significance (1 of 4 stars; one submission).

Submission:

Labcorp Genetics (formerly Invitae), Labcorp
Classification: Uncertain significance. Last evaluated: 2023-09-30. Review status: criteria provided, single submitter. Criteria: Invitae Variant Classification Sherloc (09022015). Collection method: clinical testing. Allele origin: germline.
Comment: This variant has not been reported in the literature in individuals affected with JAK2-related conditions. An algorithm developed to predict the effect of missense changes on protein structure and function (PolyPhen-2) suggests that this variant is likely to be disruptive. In summary, the available evidence is currently insufficient to determine the role of this variant in disease. Therefore, it has been classified as a Variant of Uncertain Significance. This variant is not present in population databases (gnomAD no frequency). This sequence change replaces tyrosine, which is neutral and polar, with asparagine, which is neutral and polar, at codon 813 of the JAK2 protein (p.Tyr813Asn).

NM_004972.4(JAK2):c.2437T>A (p.Tyr813Asn)

Genes: INSL6 (insulin like 6; minus strand), JAK2 (Janus kinase 2; plus strand). Cytogenetic location: 9p24.1.
Variant type: single nucleotide variant.
Coding change: c.2437T>A on transcript NM_004972.4 (MANE Select); coding-DNA position 2437, T replaced by A.
Protein change: p.Tyr813Asn; replaces tyrosine 813 with asparagine.
Molecular consequence: missense variant. On other transcripts: non-coding transcript variant (2).
Genome position (GRCh38, 1-based): chr9:5,081,727, T>A. VCF-style: chr9-5081727-T-A. GRCh37 (hg19) VCF-style: chr9-5081727-T-A.
Other names: c.2437T>A, p.Tyr813Asn (NM_001322194.2, NM_001322195.2, NM_001322196.2); c.1222T>A, p.Tyr408Asn (NM_001322198.2, NM_001322199.2); c.1990T>A, p.Tyr664Asn (NM_001322204.2); short protein forms Y408N, Y664N, Y813N.
Identifiers: ClinVar variation 2764659 (VCV002764659.3), dbSNP rs2489084320, ClinGen allele CA372828498.